The following is an entry in ClinVar:

ClinVar aggregate classification (germline): Uncertain significance. Review status: criteria provided, multiple submitters, no conflicts (2 of 4 stars). 2 submissions from 2 submitters: Uncertain significance (2). Last evaluated 2024-03-14.

Allele frequency attached by ClinVar (database versions not stated): gnomAD exomes below 0.00001; gnomAD 0.00001; ESP Exome Variant Server 0.00008.
gnomAD v4.1: 2 of 1,613,994 alleles (0.00012%); highest among the groups gnomAD compares: Admixed American, 0.0017%; no homozygotes.

Submissions (2):

Mayo Clinic Laboratories, Mayo Clinic
Classification: Uncertain significance. Last evaluated: 2024-03-14. Review status: criteria provided, single submitter. Criteria: ACMG Guidelines, 2015. Collection method: clinical testing. Allele origin: germline. Observed: 1 variant allele.
Comment: BP4, PP2, PM2_moderate

Labcorp Genetics (formerly Invitae), Labcorp
Classification: Uncertain significance. Last evaluated: 2022-02-05. Review status: criteria provided, single submitter. Criteria: Invitae Variant Classification Sherloc (09022015). Collection method: clinical testing. Allele origin: germline.
Comment: This variant has not been reported in the literature in individuals affected with SZT2-related conditions. In summary, the available evidence is currently insufficient to determine the role of this variant in disease. Therefore, it has been classified as a Variant of Uncertain Significance. Algorithms developed to predict the effect of missense changes on protein structure and function are either unavailable or do not agree on the potential impact of this missense change (SIFT: "Deleterious"; PolyPhen-2: "Benign"; Align-GVGD: "Class C65"). This variant is present in population databases (rs369577197, gnomAD no frequency). This sequence change replaces serine, which is neutral and polar, with phenylalanine, which is neutral and non-polar, at codon 975 of the SZT2 protein (p.Ser975Phe).

NM_001365999.1(SZT2):c.2924C>T (p.Ser975Phe)

Gene: SZT2 (SZT2 subunit of KICSTOR complex; plus strand). Cytogenetic location: 1p34.2.
Variant type: single nucleotide variant.
Coding change: c.2924C>T on transcript NM_001365999.1 (MANE Select); coding-DNA position 2924, C replaced by T.
Protein change: p.Ser975Phe; replaces serine 975 with phenylalanine.
Molecular consequence: missense variant.
Genome position (GRCh38, 1-based): chr1:43,425,944, C>T. VCF-style: chr1-43425944-C-T. GRCh37 (hg19) VCF-style: chr1-43891615-C-T.
Other names: p.Ser975Phe; c.2924C>T, p.Ser975Phe (NM_015284.4); short protein forms S975F.
Identifiers: ClinVar variation 1378373 (VCV001378373.9), dbSNP rs369577197, ClinGen allele CA21633907.